The following is an entry in ClinVar:

NM_025179.4(PLXNA2):c.5351C>T (p.Thr1784Met)

Gene: PLXNA2 (plexin A2; minus strand). Cytogenetic location: 1q32.2.
Variant type: single nucleotide variant.
Coding change: c.5351C>T on transcript NM_025179.4 (MANE Select); coding-DNA position 5351, C replaced by T.
Protein change: p.Thr1784Met; replaces threonine 1784 with methionine.
Molecular consequence: missense variant.
Genome position (GRCh38, 1-based): chr1:208,028,917, G>A on the plus strand (C>T on the coding strand, the complement: PLXNA2 is on the minus strand). VCF-style: chr1-208028917-G-A. GRCh37 (hg19) VCF-style: chr1-208202262-G-A.
Other names: short protein forms T1784M.
Identifiers: ClinVar variation 3352312 (VCV003352312.1).

ClinVar aggregate classification (germline): Uncertain significance (0 of 4 stars; one submission).

Conditions:
PLXNA2-related disorder. Also called: PLXNA2-related condition.

gnomAD v4.1: 17 of 1,614,050 alleles (0.0011%); highest among the groups gnomAD compares: Admixed American, 0.0033%; no homozygotes.

Submission:

PreventionGenetics, part of Exact Sciences
Classification: Uncertain significance for PLXNA2-related condition. Last evaluated: 2023-11-08. Review status: no assertion criteria provided. Collection method: clinical testing. Allele origin: germline.
Comment: The PLXNA2 c.5351C>T variant is predicted to result in the amino acid substitution p.Thr1784Met. To our knowledge, this variant has not been reported in the literature. This variant is reported in 0.0050% of alleles in individuals of East Asian descent in gnomAD. At this time, the clinical significance of this variant is uncertain due to the absence of conclusive functional and genetic evidence.